The following is an entry in ClinVar:

ClinVar aggregate classification (germline): Uncertain significance (1 of 4 stars; one submission).

Conditions:
Autoimmune interstitial lung disease-arthritis syndrome. Also called: Autoinflammation and autoimmunity, systemic, with immune dysregulation. Identifiers: Orphanet 444092, MedGen C5975714, MONDO:0014629.

Submission:

Labcorp Genetics (formerly Invitae), Labcorp
Classification: Uncertain significance for Autoimmune interstitial lung disease-arthritis syndrome. Last evaluated: 2021-02-10. Review status: criteria provided, single submitter. Criteria: Invitae Variant Classification Sherloc (09022015). Collection method: clinical testing. Allele origin: germline.
Comment: This sequence change replaces tryptophan with arginine at codon 23 of the COPA protein (p.Trp23Arg). The tryptophan residue is highly conserved and there is a moderate physicochemical difference between tryptophan and arginine. This variant is not present in population databases (ExAC no frequency). This variant has not been reported in the literature in individuals with COPA-related conditions. Advanced modeling of protein sequence and biophysical properties (such as structural, functional, and spatial information, amino acid conservation, physicochemical variation, residue mobility, and thermodynamic stability) performed at Invitae indicates that this missense variant is expected to disrupt COPA protein function. In summary, the available evidence is currently insufficient to determine the role of this variant in disease. Therefore, it has been classified as a Variant of Uncertain Significance.

NM_004371.4(COPA):c.67T>C (p.Trp23Arg)

Gene: COPA (coat protein complex I subunit alpha; minus strand). Cytogenetic location: 1q23.2.
Variant type: single nucleotide variant.
Coding change: c.67T>C on transcript NM_004371.4 (MANE Select); coding-DNA position 67, T replaced by C.
Protein change: p.Trp23Arg; replaces tryptophan 23 with arginine.
Molecular consequence: missense variant.
Genome position (GRCh38, 1-based): chr1:160,340,268, A>G on the plus strand (T>C on the coding strand, the complement: COPA is on the minus strand). VCF-style: chr1-160340268-A-G. GRCh37 (hg19) VCF-style: chr1-160310058-A-G.
Other names: c.67T>C, p.Trp23Arg (NM_001098398.2); short protein forms W23R.
Identifiers: ClinVar variation 1478851 (VCV001478851.8), dbSNP rs1419799952, ClinGen allele CA343273515.
Genomic context (GRCh38, chr1:160,340,268, plus strand): 5'-GAGTGCACATCCGATAGTCCCATAACTGGATGACCCCATTATGTAAACTAGTCAGGATCC[A>G]AGGTCTTTTGGGGTGAAAGCTGAGCCCTGAAAAAAATAGAAAATGATACAATGAGCTAAC-3'
Protein context (NP_004362.2, residues 13-33): KGLSFHPKRP[Trp23Arg]ILTSLHNGVI